The following is an entry in ClinVar:

NM_000278.5(PAX2):c.1021+192C>G

Gene: PAX2 (paired box 2; plus strand). Cytogenetic location: 10q24.31.
Variant type: single nucleotide variant.
Coding change: c.1021+192C>G on transcript NM_000278.5 (MANE Select); 192 bases into the intron after coding-DNA position 1021, C replaced by G.
Molecular consequence: intron variant. On other transcripts: missense variant (1).
Genome position (GRCh38, 1-based): chr10:100,824,941, C>G. VCF-style: chr10-100824941-C-G. GRCh37 (hg19) VCF-style: chr10-102584698-C-G.
Other names: c.1061C>G, p.Pro354Arg (NM_003988.5); c.1114+192C>G (NM_001304569.2); c.1090+192C>G (NM_003987.5, NM_003990.5); c.1021+192C>G (NM_003989.5); short protein forms P354R.
Identifiers: ClinVar variation 2034548 (VCV002034548.4), dbSNP rs770361497, ClinGen allele CA378259816.

ClinVar aggregate classification (germline): Uncertain significance (1 of 4 stars; one submission).

Conditions:
Focal segmental glomerulosclerosis 7 (FSGS7). Identifiers: Orphanet 656, MedGen C4014925, MONDO:0014451, OMIM 616002.
Renal coloboma syndrome (PAPRS). Also called: RENAL-COLOBOMA SYNDROME WITH MACULAR ABNORMALITIES; PAPILLORENAL SYNDROME WITH MILD OCULAR ABNORMALITIES; CONGENITAL ANOMALIES OF THE KIDNEY AND URINARY TRACT WITH OR WITHOUT OCULAR ABNORMALITIES; CAKUT WITH OR WITHOUT OCULAR ABNORMALITIES; OPTIC COLOBOMA, VESICOURETERAL REFLUX, AND RENAL ANOMALIES; OPTIC NERVE COLOBOMA WITH RENAL DISEASE. Identifiers: Orphanet 1475, MedGen C1852759, MONDO:0007352, OMIM 120330.

gnomAD v4.1: 1 of 1,614,076 alleles (0.000062%); highest among the groups gnomAD compares: Admixed American, 0.0017%; no homozygotes.

Submission:

Labcorp Genetics (formerly Invitae), Labcorp
Classification: Uncertain significance for Renal coloboma syndrome; Focal segmental glomerulosclerosis 7. Last evaluated: 2022-09-02. Review status: criteria provided, single submitter. Criteria: Invitae Variant Classification Sherloc (09022015). Collection method: clinical testing. Allele origin: germline.
Comment: In summary, the available evidence is currently insufficient to determine the role of this variant in disease. Therefore, it has been classified as a Variant of Uncertain Significance. Algorithms developed to predict the effect of missense changes on protein structure and function are either unavailable or do not agree on the potential impact of this missense change (SIFT: "Not Available"; PolyPhen-2: "Probably Damaging"; Align-GVGD: "Not Available"). This variant has not been reported in the literature in individuals affected with PAX2-related conditions. This variant is present in population databases (no rsID available, gnomAD 0.003%). This sequence change replaces proline, which is neutral and non-polar, with arginine, which is basic and polar, at codon 354 of the PAX2 protein (p.Pro354Arg).